The following is an entry in ClinVar:

ClinVar aggregate classification (germline): Uncertain significance (1 of 4 stars; one submission).

Conditions:
VPS13B-related disorder. Also called: VPS13B-related condition.

Submission:

PreventionGenetics, part of Exact Sciences
Classification: Uncertain significance for VPS13B-related condition. Last evaluated: 2025-10-15. Review status: criteria provided, single submitter. Criteria: ACMG Guidelines, 2015. Collection method: clinical testing. Allele origin: germline.
Comment: The VPS13B c.10843G>A variant is predicted to result in the amino acid substitution p.Ala3615Thr. To our knowledge, this variant has not been reported in the literature or in a large population database (gnomAD), indicating this variant is rare. At this time, the clinical significance of this variant is uncertain due to the absence of conclusive functional and genetic evidence.

NM_152564.5(VPS13B):c.10843G>A (p.Ala3615Thr)

Gene: VPS13B (vacuolar protein sorting 13 homolog B; plus strand). Cytogenetic location: 8q22.2.
Variant type: single nucleotide variant.
Coding change: c.10843G>A on transcript NM_152564.5 (MANE Select); coding-DNA position 10843, G replaced by A.
Protein change: p.Ala3615Thr; replaces alanine 3615 with threonine.
Molecular consequence: missense variant.
Genome position (GRCh38, 1-based): chr8:99,854,232, G>A. VCF-style: chr8-99854232-G-A. GRCh37 (hg19) VCF-style: chr8-100866460-G-A.
Other names: c.10918G>A, p.Ala3640Thr (NM_017890.5); short protein forms A3615T, A3640T.
Identifiers: ClinVar variation 3348437 (VCV003348437.2).